The following is an entry in ClinVar:

NM_000642.3(AGL):c.841A>G (p.Met281Val)

Gene: AGL (amylo-alpha-1,6-glucosidase and 4-alpha-glucanotransferase; plus strand). Cytogenetic location: 1p21.2.
Variant type: single nucleotide variant.
Coding change: c.841A>G on transcript NM_000642.3 (MANE Select); coding-DNA position 841, A replaced by G.
Protein change: p.Met281Val; replaces methionine 281 with valine.
Molecular consequence: missense variant.
Genome position (GRCh38, 1-based): chr1:99,870,576, A>G. VCF-style: chr1-99870576-A-G. GRCh37 (hg19) VCF-style: chr1-100336132-A-G.
Other names: c.841A>G, p.Met281Val (NM_000028.3, NM_000643.3, NM_000644.3 and 3 more transcripts); c.793A>G, p.Met265Val (NM_000646.3); c.637A>G, p.Met213Val (NM_001425328.1, NM_001425329.1); c.463A>G, p.Met155Val (NM_001425332.1); short protein forms M281V, M265V, M155V, M213V.
Identifiers: ClinVar variation 571944 (VCV000571944.12), dbSNP rs185838959, ClinGen allele CA966274.

ClinVar aggregate classification (germline): Uncertain significance. Review status: criteria provided, multiple submitters, no conflicts (2 of 4 stars). 4 submissions from 4 submitters: Uncertain significance (3). 1 of the submissions does not count toward it. Last evaluated 2025-10-01.

Conditions:
Glycogen storage disease type III (GSD3). Also called: FORBES DISEASE; Cori disease. Identifiers: Orphanet 366, MedGen C0017922, MONDO:0009291, OMIM 232400.
Inborn genetic diseases. Identifiers: MedGen C0950123, MeSH D030342.

Allele frequency attached by ClinVar (database versions not stated): ExAC 0.00001; gnomAD exomes 0.00002; gnomAD 0.00004; TOPMed 0.00005; 1000 Genomes Project 0.00020; 1000 Genomes Project 30x 0.00031.

Submissions (4):

Ambry Genetics
Classification: Uncertain significance for Inborn genetic diseases. Last evaluated: 2025-10-01. Review status: criteria provided, single submitter. Criteria: Ambry Variant Classification Scheme 2023. Collection method: clinical testing. Allele origin: germline.

Labcorp Genetics (formerly Invitae), Labcorp
Classification: Uncertain significance for Glycogen storage disease type III. Last evaluated: 2022-09-13. Review status: criteria provided, single submitter. Criteria: Invitae Variant Classification Sherloc (09022015). Collection method: clinical testing. Allele origin: germline.
Comment: This sequence change replaces methionine, which is neutral and non-polar, with valine, which is neutral and non-polar, at codon 281 of the AGL protein (p.Met281Val). This variant is present in population databases (rs185838959, gnomAD 0.02%). This variant has not been reported in the literature in individuals affected with AGL-related conditions. ClinVar contains an entry for this variant (Variation ID: 571944). Advanced modeling of protein sequence and biophysical properties (such as structural, functional, and spatial information, amino acid conservation, physicochemical variation, residue mobility, and thermodynamic stability) performed at Invitae indicates that this missense variant is not expected to disrupt AGL protein function. In summary, the available evidence is currently insufficient to determine the role of this variant in disease. Therefore, it has been classified as a Variant of Uncertain Significance.

Blueprint Genetics
Classification: Uncertain significance. Last evaluated: 2022-07-26. Review status: criteria provided, single submitter. Criteria: ACMG Guidelines, 2015. Collection method: clinical testing. Allele origin: germline.

Natera, Inc.
Classification: Uncertain significance for Glycogen storage disease type III. Last evaluated: 2019-10-28. Review status: no assertion criteria provided. Collection method: clinical testing. Allele origin: germline. Not counted in ClinVar's aggregate classification.